The following is an entry in ClinVar:

NM_198271.5(LMOD3):c.39_41del (p.Leu14del)

Genes: LMOD3 (leiomodin 3; minus strand), LOC126806710 (CDK7 strongly-dependent group 2 enhancer GRCh37_chr3:69170601-69171800; plus strand). Cytogenetic location: 3p14.1.
Variant type: Deletion.
Coding change: c.39_41del on transcript NM_198271.5 (MANE Select); coding-DNA positions 39 to 41, 3 bases deleted (TCT; older notation c.39_41delTCT).
Protein change: p.Leu14del; deletes leucine 14.
Molecular consequence: inframe deletion.
Genome position (GRCh38, 1-based): chr3:69,122,346-69,122,348, AGA deleted on the plus strand (TCT on the coding strand, the reverse complement: LMOD3 is on the minus strand); deleting any 3 consecutive bases within chr3:69,122,346-69,122,350 gives the same sequence; the c. name uses the placement nearest the transcript's 3' end. VCF-style (leftmost placement, unchanged base first): chr3-69122345-GAGA-G. GRCh37 (hg19) VCF-style: chr3-69171496-GAGA-G.
Other names: p.Leu14del; c.39_41del, p.Leu14del (NM_001304418.3); c.39_41delTCT (NM_198271.4); short protein forms L14del.
Identifiers: ClinVar variation 475320 (VCV000475320.13), dbSNP rs139192915, ClinGen allele CA2489093.
Genomic context (GRCh38, chr3:69,122,345, plus strand): 5'-TTCTTTCAGTTCTTCAGCAGACAAGTTGGCCAAGATTTCATCTTCATTAATCTCCTCATC[GAGA>G]AGTTCTTCTTGATCTGAATTTCTGCTGTGCTCTGACATTATTTTTTCTAAATATTATTTT-3'

ClinVar aggregate classification (germline): Benign. Review status: criteria provided, multiple submitters, no conflicts (2 of 4 stars). 3 submissions from 3 submitters: Benign (3). Last evaluated 2026-02-02.

Conditions:
Nemaline myopathy 10 (NEM10). Identifiers: MedGen C4015360, MONDO:0014513, OMIM 616165.

Submissions (3):

Labcorp Genetics (formerly Invitae), Labcorp
Classification: Benign for Nemaline myopathy 10. Last evaluated: 2026-02-02. Review status: criteria provided, single submitter. Criteria: Invitae Variant Classification Sherloc (09022015). Collection method: clinical testing. Allele origin: germline.

Mayo Clinic Laboratories, Mayo Clinic
Classification: Benign. Last evaluated: 2023-02-21. Review status: criteria provided, single submitter. Criteria: ACMG Guidelines, 2015. Collection method: clinical testing. Allele origin: germline. Observed: 17 variant alleles.
Comment: BS1, BS2

GeneDx
Classification: Benign. Last evaluated: 2019-08-06. Review status: criteria provided, single submitter. Criteria: GeneDx Variant Classification Process June 2021. Collection method: clinical testing. Allele origin: germline. Affected: yes.